The following is an entry in ClinVar:

ClinVar aggregate classification (germline): Pathogenic. Review status: criteria provided, multiple submitters, no conflicts (2 of 4 stars). 3 submissions from 3 submitters: Pathogenic (3). Last evaluated 2024-11-21.

Conditions:
Granulomatous disease, chronic, X-linked. Also called: CYTOCHROME b-NEGATIVE GRANULOMATOUS DISEASE, CHRONIC, X-LINKED; GRANULOMATOUS DISEASE, CHRONIC, X-LINKED, SOMATIC MOSAIC. Identifiers: Orphanet 379, MedGen C1844376, MONDO:0010600, OMIM 306400.

Submissions (3):

GeneDx
Classification: Pathogenic. Last evaluated: 2024-11-21. Review status: criteria provided, single submitter. Criteria: GeneDx Variant Classification Process June 2021. Collection method: clinical testing. Allele origin: germline. Affected: yes.
Comment: Nonsense variant predicted to result in protein truncation or nonsense mediated decay in a gene for which loss of function is a known mechanism of disease; Not observed at significant frequency in large population cohorts (gnomAD); This variant is associated with the following publications: (PMID: 25525159, 29560547, 34175765, 20729109)

Women's Health and Genetics/Laboratory Corporation of America, LabCorp
Classification: Pathogenic for Granulomatous disease, chronic, X-linked. Last evaluated: 2024-04-12. Review status: criteria provided, single submitter. Criteria: LabCorp Variant Classification Summary - May 2015. Collection method: clinical testing. Allele origin: germline.
Comment: Variant summary: CYBB c.840T>A (p.Tyr280X) results in a premature termination codon, predicted to cause a truncation of the encoded protein or absence of the protein due to nonsense mediated decay, which are commonly known mechanisms for disease. The variant was absent in 182963 control chromosomes (gnomAD). c.840T>A has been reported in the literature in individuals affected with X-Linked Chronic Granulomatous Disease (e.g. Zhou_2018). The following publication has been ascertained in the context of this evaluation (PMID: 29560547). ClinVar contains an entry for this variant (Variation ID: 947989). Based on the evidence outlined above, the variant was classified as pathogenic.

Labcorp Genetics (formerly Invitae), Labcorp
Classification: Pathogenic for Granulomatous disease, chronic, X-linked. Last evaluated: 2021-12-24. Review status: criteria provided, single submitter. Criteria: Invitae Variant Classification Sherloc (09022015). Collection method: clinical testing. Allele origin: germline.
Comment: This sequence change creates a premature translational stop signal (p.Tyr280*) in the CYBB gene. It is expected to result in an absent or disrupted protein product. Loss-of-function variants in CYBB are known to be pathogenic (PMID: 9585602, 20729109). This variant is not present in population databases (gnomAD no frequency). This premature translational stop signal has been observed in individual(s) with chronic granulomatous disease (PMID: 20729109, 29560547). ClinVar contains an entry for this variant (Variation ID: 947989). For these reasons, this variant has been classified as Pathogenic.

Literature cited by the submitters: PubMed 29560547 (cited by Women's Health and Genetics/Laboratory Corporation of America, LabCorp and Labcorp Genetics (formerly Invitae), Labcorp); PubMed 9585602 (cited by Labcorp Genetics (formerly Invitae), Labcorp); PubMed 20729109 (cited by Labcorp Genetics (formerly Invitae), Labcorp).

NM_000397.4(CYBB):c.840T>A (p.Tyr280Ter)

Gene: CYBB (cytochrome b-245 beta chain; plus strand). Cytogenetic location: Xp11.4.
Variant type: single nucleotide variant.
Coding change: c.840T>A on transcript NM_000397.4 (MANE Select); coding-DNA position 840, T replaced by A.
Protein change: p.Tyr280Ter; replaces tyrosine 280 with a stop codon.
Molecular consequence: nonsense.
Genome position (GRCh38, 1-based): chrX:37,801,291, T>A. VCF-style: chrX-37801291-T-A. GRCh37 (hg19) VCF-style: chrX-37660544-T-A.
Other names: short protein forms Y280*.
Identifiers: ClinVar variation 947989 (VCV000947989.12), dbSNP rs1929432929, ClinGen allele CA412976860.
Genomic context (GRCh38, chrX:37,801,291, plus strand): 5'-ATTTTCATTTTTGCTCTGATTACAGACTTGGAAATGGATAGTGGGTCCCATGTTTCTGTA[T>A]CTCTGTGAGAGGTTGGTGCGGTTTTGGCGATCTCAACAGAAGGTGGTCATCACCAAGGTA-3'